The following is an entry in ClinVar:

NM_000038.6(APC):c.4688dup (p.Leu1564fs)

Gene: APC (APC regulator of Wnt signaling pathway; plus strand). Cytogenetic location: 5q22.2.
Variant type: Duplication.
Coding change: c.4688dup on transcript NM_000038.6 (MANE Select); coding-DNA position 4688, one base duplicated (T; older notation c.4688dupT).
Protein change: p.Leu1564fs; shifts the reading frame from leucine 1564.
Molecular consequence: frameshift variant.
Genome position (GRCh38, 1-based): chr5:112,840,282, T duplicated. VCF-style (leftmost placement, unchanged base first): chr5-112840281-C-CT. GRCh37 (hg19) VCF-style: chr5-112175978-C-CT.
Other names: c.4688dup, p.Leu1564fs (NM_001127510.3, NM_001354895.2); c.4634dup, p.Leu1546fs (NM_001127511.3); c.4742dup, p.Leu1582fs (NM_001354896.2); c.4718dup, p.Leu1574fs (NM_001354897.2); c.4613dup, p.Leu1539fs (NM_001354898.2); c.4604dup, p.Leu1536fs (NM_001354899.2); c.4565dup, p.Leu1523fs (NM_001354900.2); c.4511dup, p.Leu1505fs (NM_001354901.2); and 16 more; short protein forms L1438fs, L1404fs, L1473fs, L1523fs, L1546fs, L1574fs, L1582fs, L1463fs.
Identifiers: ClinVar variation 2030556 (VCV002030556.4), dbSNP rs2533592582, ClinGen allele CA2580072556.

ClinVar aggregate classification (germline): Pathogenic (1 of 4 stars; one submission).

Conditions:
Familial adenomatous polyposis 1 (FAP1). Also called: FAMILIAL ADENOMATOUS POLYPOSIS 1, ATTENUATED; POLYPOSIS, ADENOMATOUS INTESTINAL. Identifiers: MedGen C2713442, MONDO:0021056, OMIM 175100. Disease mechanism: loss of function.

Submission:

Labcorp Genetics (formerly Invitae), Labcorp
Classification: Pathogenic for Familial adenomatous polyposis 1. Last evaluated: 2022-09-15. Review status: criteria provided, single submitter. Criteria: Invitae Variant Classification Sherloc (09022015). Collection method: clinical testing. Allele origin: germline.
Comment: This sequence change creates a premature translational stop signal (p.Leu1564Ilefs*3) in the APC gene. While this is not anticipated to result in nonsense mediated decay, it is expected to disrupt the last 1280 amino acid(s) of the APC protein. This variant is not present in population databases (gnomAD no frequency). This variant has not been reported in the literature in individuals affected with APC-related conditions. This variant is expected to disrupt the EB1 and HDLG binding sites, which mediate interactions with the cytoskeleton (PMID: 15311282, 17293347). While functional studies have not been performed to directly test the effect on APC protein function, this suggests that disruption of the C-terminal portion of the protein is functionally important. A different truncation (p.Tyr2645Lysfs*14) that lies downstream of this variant has been determined to be pathogenic (PMID: 9824584, 1316610, 27081525, 8381579, 22135120, Invitae). This suggests that deletion of this region of the APC protein is causative of disease. For these reasons, this variant has been classified as Pathogenic.

Literature cited by the submitters: PubMed 15311282; PubMed 17293347; PubMed 9824584; PubMed 1316610; PubMed 27081525; PubMed 8381579; PubMed 22135120.